The following is an entry in ClinVar:

NM_004304.5(ALK):c.4757A>G (p.Tyr1586Cys)

Gene: ALK (ALK receptor tyrosine kinase; minus strand). Cytogenetic location: 2p23.2.
Variant type: single nucleotide variant.
Coding change: c.4757A>G on transcript NM_004304.5 (MANE Select); coding-DNA position 4757, A replaced by G.
Protein change: p.Tyr1586Cys; replaces tyrosine 1586 with cysteine.
Molecular consequence: missense variant.
Genome position (GRCh38, 1-based): chr2:29,193,330, T>C on the plus strand (A>G on the coding strand, the complement: ALK is on the minus strand). VCF-style: chr2-29193330-T-C. GRCh37 (hg19) VCF-style: chr2-29416196-T-C.
Other names: c.1553A>G, p.Tyr518Cys (NM_001353765.2); short protein forms Y1586C, Y518C.
Identifiers: ClinVar variation 2868736 (VCV002868736.3), dbSNP rs2148137222, ClinGen allele CA346460311.

ClinVar aggregate classification (germline): Uncertain significance (1 of 4 stars; one submission).

Conditions:
Neuroblastoma, susceptibility to, 3. Also called: ALK-Related Neuroblastic Tumor Susceptibility. Identifiers: Orphanet 635, MedGen C2751681, MONDO:0013083, OMIM 613014.

Submission:

Labcorp Genetics (formerly Invitae), Labcorp
Classification: Uncertain significance for Neuroblastoma, susceptibility to, 3. Last evaluated: 2022-11-23. Review status: criteria provided, single submitter. Criteria: Invitae Variant Classification Sherloc (09022015). Collection method: clinical testing. Allele origin: germline.
Comment: In summary, the available evidence is currently insufficient to determine the role of this variant in disease. Therefore, it has been classified as a Variant of Uncertain Significance. Algorithms developed to predict the effect of missense changes on protein structure and function (SIFT, PolyPhen-2, Align-GVGD) all suggest that this variant is likely to be disruptive. This variant has not been reported in the literature in individuals affected with ALK-related conditions. This variant is not present in population databases (gnomAD no frequency). This sequence change replaces tyrosine, which is neutral and polar, with cysteine, which is neutral and slightly polar, at codon 1586 of the ALK protein (p.Tyr1586Cys).